The following is an entry in ClinVar:

ClinVar aggregate classification (germline): Uncertain significance (1 of 4 stars; one submission).

Conditions:
Early Myoclonic Encephalopathy. Identifiers: MedGen C0270855.

Allele frequency attached by ClinVar (database versions not stated): TOPMed 0.00001.

Submission:

Labcorp Genetics (formerly Invitae), Labcorp
Classification: Uncertain significance for Early Myoclonic Encephalopathy. Last evaluated: 2022-10-13. Review status: criteria provided, single submitter. Criteria: Invitae Variant Classification Sherloc (09022015). Collection method: clinical testing. Allele origin: germline.
Comment: This variant is not present in population databases (gnomAD no frequency). In summary, the available evidence is currently insufficient to determine the role of this variant in disease. Therefore, it has been classified as a Variant of Uncertain Significance. Algorithms developed to predict the effect of missense changes on protein structure and function are either unavailable or do not agree on the potential impact of this missense change (SIFT: "Deleterious"; PolyPhen-2: "Probably Damaging"; Align-GVGD: "Class C0"). ClinVar contains an entry for this variant (Variation ID: 952713). This variant has not been reported in the literature in individuals affected with JMJD1C-related conditions. This sequence change replaces arginine, which is basic and polar, with glutamine, which is neutral and polar, at codon 13 of the JMJD1C protein (p.Arg13Gln).

NM_032776.3(JMJD1C):c.38G>A (p.Arg13Gln)

Genes: JMJD1C (jumonji domain containing 1C; minus strand), JMJD1C-AS1 (JMJD1C antisense RNA 1; plus strand). Cytogenetic location: 10q21.3.
Variant type: single nucleotide variant.
Coding change: c.38G>A on transcript NM_032776.3 (MANE Select); coding-DNA position 38, G replaced by A.
Protein change: p.Arg13Gln; replaces arginine 13 with glutamine.
Molecular consequence: missense variant. On other transcripts: non-coding transcript variant (1), intron variant (2).
Genome position (GRCh38, 1-based): chr10:63,465,625, C>T on the plus strand (G>A on the coding strand, the complement: JMJD1C is on the minus strand). VCF-style: chr10-63465625-C-T. GRCh37 (hg19) VCF-style: chr10-65225385-C-T.
Other names: c.38G>A, p.Arg13Gln (NM_001322252.2); c.-384+56113G>A (NM_001322258.2); c.-379+56113G>A (NM_001318154.2); short protein forms R13Q.
Identifiers: ClinVar variation 952713 (VCV000952713.8), dbSNP rs1195010483, ClinGen allele CA377088395.